The following is an entry in ClinVar:

ClinVar aggregate classification (germline): Uncertain significance (1 of 4 stars; one submission).

Conditions:
Cardiovascular phenotype. Identifiers: MedGen CN230736.

Submission:

Ambry Genetics
Classification: Uncertain significance for Cardiovascular phenotype. Last evaluated: 2026-03-29. Review status: criteria provided, single submitter. Criteria: Ambry Variant Classification Scheme 2023. Collection method: clinical testing. Allele origin: germline.
Comment: The p.D1510E variant (also known as c.4530C>G), located in coding exon 26 of the FLNC gene, results from a C to G substitution at nucleotide position 4530. The aspartic acid at codon 1510 is replaced by glutamic acid, an amino acid with highly similar properties. This amino acid position is conserved. In addition, this alteration is predicted to be tolerated by in silico analysis. Based on the available evidence, the clinical significance of this variant remains unclear.

NM_001458.5(FLNC):c.4530C>G (p.Asp1510Glu)

Gene: FLNC (filamin C; plus strand). Cytogenetic location: 7q32.1.
Variant type: single nucleotide variant.
Coding change: c.4530C>G on transcript NM_001458.5 (MANE Select); coding-DNA position 4530, C replaced by G.
Protein change: p.Asp1510Glu; replaces aspartic acid 1510 with glutamic acid.
Molecular consequence: missense variant.
Genome position (GRCh38, 1-based): chr7:128,848,018, C>G. VCF-style: chr7-128848018-C-G. GRCh37 (hg19) VCF-style: chr7-128488072-C-G.
Other names: c.4530C>G, p.Asp1510Glu (NM_001127487.2); short protein forms D1510E.
Identifiers: ClinVar variation 4871454 (VCV004871454.1).
Genomic context (GRCh38, chr7:128,848,018, plus strand): 5'-TGTGGAGGTGCGGGACAATGGAGATGGCACCCACACTGTCCACTACACCCCAGCCACTGA[C>G]GGGCCCTACACGGTAGCCGTCAAGTATGCTGACCAGGAGGTGCCACGCAGGTGAGGACCA-3'
Protein context (NP_001449.3, residues 1500-1520): THTVHYTPAT[Asp1510Glu]GPYTVAVKYA